The following is an entry in ClinVar:

NM_004260.4(RECQL4):c.307C>G (p.Pro103Ala)

Gene: RECQL4 (RecQ like helicase 4; minus strand). Cytogenetic location: 8q24.3.
Variant type: single nucleotide variant.
Coding change: c.307C>G on transcript NM_004260.4 (MANE Select); coding-DNA position 307, C replaced by G.
Protein change: p.Pro103Ala; replaces proline 103 with alanine.
Molecular consequence: missense variant.
Genome position (GRCh38, 1-based): chr8:144,517,097, G>C on the plus strand (C>G on the coding strand, the complement: RECQL4 is on the minus strand). VCF-style: chr8-144517097-G-C. GRCh37 (hg19) VCF-style: chr8-145742481-G-C.
Other names: c.307C>G (NM_004260.3); short protein forms P103A.
Identifiers: ClinVar variation 998401 (VCV000998401.6), dbSNP rs587778650, ClinGen allele CA372692063.
Genomic context (GRCh38, chr8:144,517,097, plus strand): 5'-GCCCACTCCTCACCTGCAGGGTGCCTTTCAGATTGGCCTTGAGCCGCTGCCCGTAGTCCG[G>C]CACCGAGCCCTGGCGGCTCCGCCCTGGCGTAGACTGTGGACTCTTGGTCGCAGCCCGATT-3'
Protein context (NP_004251.4, residues 93-113): TPGRSRQGSV[Pro103Ala]DYGQRLKANL

ClinVar aggregate classification (germline): Uncertain significance. Review status: criteria provided, multiple submitters, no conflicts (2 of 4 stars). 2 submissions from 2 submitters: Uncertain significance (2). Last evaluated 2025-10-08.

Conditions:
Baller-Gerold syndrome (BGS). Also called: CRANIOSYNOSTOSIS WITH RADIAL DEFECTS. Identifiers: Orphanet 1225, MedGen C0265308, MONDO:0009039, OMIM 218600.
Inborn genetic diseases. Identifiers: MedGen C0950123, MeSH D030342.

Allele frequency attached by ClinVar (database versions not stated): TOPMed below 0.00001.
gnomAD v4.1: 5 of 1,612,442 alleles (0.00031%); highest among the groups gnomAD compares: Non-Finnish European, 0.00042%; no homozygotes.

Submissions (2):

Labcorp Genetics (formerly Invitae), Labcorp
Classification: Uncertain significance for Baller-Gerold syndrome. Last evaluated: 2025-10-08. Review status: criteria provided, single submitter. Criteria: Invitae Variant Classification Sherloc (09022015). Collection method: clinical testing. Allele origin: germline.
Comment: This sequence change replaces proline, which is neutral and non-polar, with alanine, which is neutral and non-polar, at codon 103 of the RECQL4 protein (p.Pro103Ala). This variant is not present in population databases (gnomAD no frequency). This variant has not been reported in the literature in individuals affected with RECQL4-related conditions. ClinVar contains an entry for this variant (Variation ID: 998401). Invitae Evidence Modeling of protein sequence and biophysical properties (such as structural, functional, and spatial information, amino acid conservation, physicochemical variation, residue mobility, and thermodynamic stability) indicates that this missense variant is not expected to disrupt RECQL4 protein function with a negative predictive value of 80%. In summary, the available evidence is currently insufficient to determine the role of this variant in disease. Therefore, it has been classified as a Variant of Uncertain Significance.

Ambry Genetics
Classification: Uncertain significance for Inborn genetic diseases. Last evaluated: 2025-03-31. Review status: criteria provided, single submitter. Criteria: Ambry Variant Classification Scheme 2023. Collection method: clinical testing. Allele origin: germline.
Comment: The p.P103A variant (also known as c.307C>G), located in coding exon 4 of the RECQL4 gene, results from a C to G substitution at nucleotide position 307. The proline at codon 103 is replaced by alanine, an amino acid with highly similar properties. This amino acid position is conserved. In addition, this alteration is predicted to be tolerated by in silico analysis. Based on the available evidence, the clinical significance of this variant remains unclear.